The following is an entry in ClinVar:

ClinVar aggregate classification (germline): Uncertain significance. Review status: criteria provided, multiple submitters, no conflicts (2 of 4 stars). 3 submissions from 3 submitters: Uncertain significance (3). Last evaluated 2022-08-10.

Conditions:
Microcephaly 17, primary, autosomal recessive (MCPH17). Identifiers: Orphanet 2512, MedGen C4310723, MONDO:0014908, OMIM 617090.
Inborn genetic diseases. Identifiers: MedGen C0950123, MeSH D030342.

Allele frequency attached by ClinVar (database versions not stated): ExAC 0.00010; gnomAD exomes 0.00011 and 0.00023; TOPMed 0.00011; gnomAD 0.00014; ESP Exome Variant Server 0.00015; 1000 Genomes Project 30x 0.00016; 1000 Genomes Project 0.00020.
gnomAD v4.1: 353 of 1,614,210 alleles (0.022%); highest among the groups gnomAD compares: Non-Finnish European, 0.029%; no homozygotes.

Submissions (3):

GeneDx
Classification: Uncertain significance. Last evaluated: 2022-08-10. Review status: criteria provided, single submitter. Criteria: GeneDx Variant Classification Process June 2021. Collection method: clinical testing. Allele origin: germline. Affected: yes.
Comment: In silico analysis supports that this missense variant does not alter protein structure/function; Has not been previously published as pathogenic or benign to our knowledge

Ambry Genetics
Classification: Uncertain significance for Inborn genetic diseases. Last evaluated: 2021-07-06. Review status: criteria provided, single submitter. Criteria: Ambry Variant Classification Scheme 2023. Collection method: clinical testing. Allele origin: germline.

Neuberg Centre For Genomic Medicine, NCGM
Classification: Uncertain significance for Microcephaly 17, primary, autosomal recessive. Review status: criteria provided, single submitter. Criteria: ACMG Guidelines, 2015. Collection method: clinical testing. Allele origin: germline. Inheritance: Autosomal recessive inheritance. Affected: yes.
Comment: The observed missense c.4393G>A(p.Glu1465Lys) variant in CIT gene has not been reported previously as a pathogenic variant nor a benign variant, to our knowledge. The p.Glu1465Lys variant has been reported with allele frequency of 0.01% in gnomAD Exomes. This variant has been reported to the ClinVar database as Uncertain Significance. The amino acid change p.Glu1465Lys in CIT is predicted as conserved by GERP++ and PhyloP across 100 vertebrates. The amino acid Glu at position 1465 is changed to a Lys changing protein sequence and it might alter its composition and physico-chemical properties. For these reasons, this variant has been classified as a Variant of Uncertain Significance (VUS).

NM_001206999.2(CIT):c.4393G>A (p.Glu1465Lys)

Gene: CIT (citron rho-interacting serine/threonine kinase; minus strand). Cytogenetic location: 12q24.23.
Variant type: single nucleotide variant.
Coding change: c.4393G>A on transcript NM_001206999.2 (MANE Select); coding-DNA position 4393, G replaced by A.
Protein change: p.Glu1465Lys; replaces glutamic acid 1465 with lysine.
Molecular consequence: missense variant.
Genome position (GRCh38, 1-based): chr12:119,713,562, C>T on the plus strand (G>A on the coding strand, the complement: CIT is on the minus strand). VCF-style: chr12-119713562-C-T. GRCh37 (hg19) VCF-style: chr12-120151367-C-T.
Other names: c.4267G>A, p.Glu1423Lys (NM_007174.3); short protein forms E1423K, E1465K.
Identifiers: ClinVar variation 1700779 (VCV001700779.6), dbSNP rs150217898, ClinGen allele CA6821223.